The following is an entry in ClinVar:

ClinVar aggregate classification (germline): Uncertain significance (1 of 4 stars; one submission).

Conditions:
Inborn genetic diseases. Identifiers: MedGen C0950123, MeSH D030342.

gnomAD v4.1: 7 of 1,601,770 alleles (0.00044%); highest among the groups gnomAD compares: Admixed American, 0.005%; no homozygotes.

Submission:

Ambry Genetics
Classification: Uncertain significance for Inborn genetic diseases. Last evaluated: 2026-03-12. Review status: criteria provided, single submitter. Criteria: Ambry Variant Classification Scheme 2023. Collection method: clinical testing. Allele origin: germline.
Comment: The c.4118C>T (p.P1373L) alteration is located in exon 21 (coding exon 19) of the RERE gene. This alteration results from a C to T substitution at nucleotide position 4118, causing the proline (P) at amino acid position 1373 to be replaced by a leucine (L). Based on data from gnomAD, the T allele has an overall frequency of <0.001% (1/240442) total alleles studied. The highest observed frequency was 0.001% (1/108076) of European (non-Finnish) alleles. Based on insufficient or conflicting evidence, the clinical significance of this alteration remains unclear.

NM_001042681.2(RERE):c.4118C>T (p.Pro1373Leu)

Gene: RERE (arginine-glutamic acid dipeptide repeats; minus strand). Cytogenetic location: 1p36.23.
Variant type: single nucleotide variant.
Coding change: c.4118C>T on transcript NM_001042681.2 (MANE Select); coding-DNA position 4118, C replaced by T.
Protein change: p.Pro1373Leu; replaces proline 1373 with leucine.
Molecular consequence: missense variant.
Genome position (GRCh38, 1-based): chr1:8,358,417, G>A on the plus strand (C>T on the coding strand, the complement: RERE is on the minus strand). VCF-style: chr1-8358417-G-A. GRCh37 (hg19) VCF-style: chr1-8418477-G-A.
Other names: c.2456C>T, p.Pro819Leu (NM_001042682.2); c.4118C>T, p.Pro1373Leu (NM_012102.4); short protein forms P819L, P1373L.
Identifiers: ClinVar variation 4827965 (VCV004827965.1).